The following is an entry in ClinVar:

ClinVar aggregate classification (germline): Likely benign. Review status: criteria provided, multiple submitters, no conflicts (2 of 4 stars). 3 submissions from 3 submitters: Likely benign (3). Last evaluated 2026-07-22.

Conditions:
ALDH18A1-related disorder. Also called: ALDH18A1-related disorders.
Autosomal dominant spastic paraplegia type 9. Identifiers: MedGen C1832669, MONDO:0015091.
Cutis laxa, autosomal dominant 3 (ADCL3). Identifiers: Orphanet 90348, MedGen C4225268, MONDO:0014706, OMIM 616603.
de Barsy syndrome. Also called: Cutis laxa-corneal clouding-oligophrenia syndrome. Identifiers: Orphanet 2962, MedGen C0268354, MONDO:0017569.

Allele frequency attached by ClinVar (database versions not stated): gnomAD below 0.00001 and 0.00005; TOPMed below 0.00001; ExAC 0.00027; 1000 Genomes Project 0.00060; 1000 Genomes Project 30x 0.00062.
gnomAD v4.1: 175 of 1,614,076 alleles (0.011%); highest among the groups gnomAD compares: South Asian, 0.18%; 3 homozygotes.

Submissions (3):

PreventionGenetics, part of Exact Sciences
Classification: Likely benign for ALDH18A1-related condition. Last evaluated: 2026-07-22. Review status: criteria provided, single submitter. Criteria: ACMG Guidelines, 2015. Collection method: clinical testing. Allele origin: germline.
Comment: This variant is classified as likely benign based on ACMG/AMP sequence variant interpretation guidelines (Richards et al. 2015 PMID: 25741868, with internal and published modifications).

Labcorp Genetics (formerly Invitae), Labcorp
Classification: Likely benign for Autosomal dominant spastic paraplegia type 9; de Barsy syndrome; Cutis laxa, autosomal dominant 3. Last evaluated: 2025-08-30. Review status: criteria provided, single submitter. Criteria: Invitae Variant Classification Sherloc (09022015). Collection method: clinical testing. Allele origin: germline.

GeneDx
Classification: Likely benign. Last evaluated: 2020-09-10. Review status: criteria provided, single submitter. Criteria: GeneDx Variant Classification Process June 2021. Collection method: clinical testing. Allele origin: germline. Affected: yes.

NM_002860.4(ALDH18A1):c.945C>T (p.Ala315=)

Gene: ALDH18A1 (aldehyde dehydrogenase 18 family member A1; minus strand). Cytogenetic location: 10q24.1.
Variant type: single nucleotide variant.
Coding change: c.945C>T on transcript NM_002860.4 (MANE Select); coding-DNA position 945, C replaced by T.
Protein change: p.Ala315=; no amino-acid change (alanine 315 retained).
Molecular consequence: synonymous variant.
Genome position (GRCh38, 1-based): chr10:95,627,575, G>A on the plus strand (C>T on the coding strand, the complement: ALDH18A1 is on the minus strand). VCF-style: chr10-95627575-G-A. GRCh37 (hg19) VCF-style: chr10-97387332-G-A.
Other names: c.939C>T, p.Ala313= (NM_001017423.2, NM_001323415.2); c.612C>T, p.Ala204= (NM_001323412.2, NM_001323416.2); c.945C>T, p.Ala315= (NM_001323413.2, NM_001323414.2); c.840C>T, p.Ala280= (NM_001323417.2); c.606C>T, p.Ala202= (NM_001323418.2); c.309C>T, p.Ala103= (NM_001323419.2).
Identifiers: ClinVar variation 389947 (VCV000389947.9), dbSNP rs566528582, ClinGen allele CA5620461.